The following is an entry in ClinVar:

NM_004974.4(KCNA2):c.1291C>G (p.Gln431Glu)

Gene: KCNA2 (potassium voltage-gated channel subfamily A member 2; minus strand). Cytogenetic location: 1p13.3.
Variant type: single nucleotide variant.
Coding change: c.1291C>G on transcript NM_004974.4 (MANE Select); coding-DNA position 1291, C replaced by G.
Protein change: p.Gln431Glu; replaces glutamine 431 with glutamic acid.
Molecular consequence: missense variant. On other transcripts: intron variant (1).
Genome position (GRCh38, 1-based): chr1:110,603,492, G>C on the plus strand (C>G on the coding strand, the complement: KCNA2 is on the minus strand). VCF-style: chr1-110603492-G-C. GRCh37 (hg19) VCF-style: chr1-111146114-G-C.
Other names: c.894+397C>G (NM_001204269.2); short protein forms Q431E.
Identifiers: ClinVar variation 1676905 (VCV001676905.4), dbSNP rs2101395841, ClinGen allele CA341600960.

ClinVar aggregate classification (germline): Uncertain significance. Review status: criteria provided, multiple submitters, no conflicts (2 of 4 stars). 2 submissions from 2 submitters: Uncertain significance (2). Last evaluated 2023-03-06.

Conditions:
Inborn genetic diseases. Identifiers: MedGen C0950123, MeSH D030342.

Allele frequency attached by ClinVar (database versions not stated): gnomAD exomes below 0.00001.
gnomAD v4.1: 5 of 1,614,020 alleles (0.00031%); highest among the groups gnomAD compares: Non-Finnish European, 0.00042%; no homozygotes.

Submissions (2):

Ambry Genetics
Classification: Uncertain significance for Inborn genetic diseases. Last evaluated: 2023-03-06. Review status: criteria provided, single submitter. Criteria: Ambry Variant Classification Scheme 2023. Collection method: clinical testing. Allele origin: germline.

GeneDx
Classification: Uncertain significance. Last evaluated: 2021-10-13. Review status: criteria provided, single submitter. Criteria: GeneDx Variant Classification Process June 2021. Collection method: clinical testing. Allele origin: germline. Affected: yes.
Comment: Not observed at significant frequency in large population cohorts (gnomAD); In silico analysis supports that this missense variant does not alter protein structure/function; Has not been previously published as pathogenic or benign to our knowledge